The following is an entry in ClinVar:

NM_130806.5(RXFP2):c.1726C>T (p.Leu576Phe)

Gene: RXFP2 (relaxin family peptide receptor 2; plus strand). Cytogenetic location: 13q13.1.
Variant type: single nucleotide variant.
Coding change: c.1726C>T on transcript NM_130806.5 (MANE Select); coding-DNA position 1726, C replaced by T.
Protein change: p.Leu576Phe; replaces leucine 576 with phenylalanine.
Molecular consequence: missense variant.
Genome position (GRCh38, 1-based): chr13:31,793,028, C>T. VCF-style: chr13-31793028-C-T. GRCh37 (hg19) VCF-style: chr13-32367165-C-T.
Other names: c.1654C>T, p.Leu552Phe (NM_001166058.2); short protein forms L552F, L576F.
Identifiers: ClinVar variation 2643720 (VCV002643720.24), dbSNP rs202139579, ClinGen allele CA387729481.
Genomic context (GRCh38, chr13:31,793,028, plus strand): 5'-CCATTTTGGAATAAGGATTATTTTGGAAACTTTTATGGGAAAAATGGAGTATGTTTCCCA[C>T]TTTATTATGACCAAACAGAAGATATTGGAAGCAAAGGGTATTCTCTTGGAATTTTCCTAG-3'
Protein context (NP_570718.1, residues 566-586): FYGKNGVCFP[Leu576Phe]YYDQTEDIGS

ClinVar aggregate classification (germline): Uncertain significance (1 of 4 stars; one submission).

gnomAD v4.1: 1 of 1,613,136 alleles (0.000062%); no homozygotes.

Submission:

CeGaT Center for Human Genetics Tuebingen
Classification: Uncertain significance. Last evaluated: 2023-08-01. Review status: criteria provided, single submitter. Criteria: CeGaT Center For Human Genetics Tuebingen Variant Classification Criteria Version 2. Collection method: clinical testing. Allele origin: germline. Affected: yes. Observed: 1 variant allele.
Comment: RXFP2: PM2